The following is an entry in ClinVar:

ClinVar aggregate classification (germline): Uncertain significance (1 of 4 stars; one submission).

Conditions:
Marfan syndrome (MFS). Also called: MARFAN SYNDROME, TYPE I; Marfan syndrome type 1; Marfan's syndrome; Marfan syndrome, classic; FBN1-Related Marfan Syndrome. Identifiers: Orphanet 284963, Orphanet 558, MedGen C0024796, MONDO:0007947, OMIM 154700.
Familial thoracic aortic aneurysm and aortic dissection (TAAD). Also called: Thoracic aortic aneurysms and dissections. Identifiers: Orphanet 91387, MedGen C4707243, MONDO:0019625.

Submission:

Labcorp Genetics (formerly Invitae), Labcorp
Classification: Uncertain significance for Marfan syndrome; Familial thoracic aortic aneurysm and aortic dissection. Last evaluated: 2024-05-15. Review status: criteria provided, single submitter. Criteria: Invitae Variant Classification Sherloc (09022015). Collection method: clinical testing. Allele origin: germline.
Comment: This sequence change replaces proline, which is neutral and non-polar, with serine, which is neutral and polar, at codon 2073 of the FBN1 protein (p.Pro2073Ser). This variant is not present in population databases (gnomAD no frequency). This variant has not been reported in the literature in individuals affected with FBN1-related conditions. Advanced modeling of protein sequence and biophysical properties (such as structural, functional, and spatial information, amino acid conservation, physicochemical variation, residue mobility, and thermodynamic stability) performed at Invitae indicates that this missense variant is expected to disrupt FBN1 protein function with a positive predictive value of 95%. In summary, the available evidence is currently insufficient to determine the role of this variant in disease. Therefore, it has been classified as a Variant of Uncertain Significance.

NM_000138.5(FBN1):c.6217C>T (p.Pro2073Ser)

Gene: FBN1 (fibrillin 1; minus strand). Cytogenetic location: 15q21.1.
Variant type: single nucleotide variant.
Coding change: c.6217C>T on transcript NM_000138.5 (MANE Select); coding-DNA position 6217, C replaced by T.
Protein change: p.Pro2073Ser; replaces proline 2073 with serine.
Molecular consequence: missense variant.
Genome position (GRCh38, 1-based): chr15:48,437,864, G>A on the plus strand (C>T on the coding strand, the complement: FBN1 is on the minus strand). VCF-style: chr15-48437864-G-A. GRCh37 (hg19) VCF-style: chr15-48730061-G-A.
Other names: c.6217C>T, p.Pro2073Ser (NM_001406716.1); short protein forms P2073S.
Identifiers: ClinVar variation 3752796 (VCV003752796.2).